The following is an entry in ClinVar:

NM_006279.5(ST3GAL3):c.1079G>A (p.Arg360Gln)

Gene: ST3GAL3 (ST3 beta-galactoside alpha-2,3-sialyltransferase 3; plus strand). Cytogenetic location: 1p34.1.
Variant type: single nucleotide variant.
Coding change: c.1079G>A on transcript NM_006279.5 (MANE Select); coding-DNA position 1079, G replaced by A.
Protein change: p.Arg360Gln; replaces arginine 360 with glutamine.
Molecular consequence: missense variant. On other transcripts: 3 prime UTR variant (1), synonymous variant (6), non-coding transcript variant (8).
Genome position (GRCh38, 1-based): chr1:43,930,172, G>A. VCF-style: chr1-43930172-G-A. GRCh37 (hg19) VCF-style: chr1-44395844-G-A.
Other names: c.1286G>A (NM_174963.3); c.989G>A, p.Arg330Gln (NM_001270459.2); c.986G>A, p.Arg329Gln (NM_001270460.2); c.737G>A, p.Arg246Gln (NM_001270461.3); c.644G>A, p.Arg215Gln (NM_001270462.3); c.595G>A, p.Gly199Arg (NM_001270463.3); c.550G>A, p.Gly184Arg (NM_001270464.3); c.*63G>A (NM_001270465.3); and 14 more; short protein forms R429Q, R360Q, R246Q, G184R, G99R, R215Q, R262Q, R414Q.
Identifiers: ClinVar variation 130377 (VCV000130377.54), dbSNP rs553120567, ClinGen allele CA231532.

ClinVar aggregate classification (germline): Conflicting classifications of pathogenicity. Review status: criteria provided, conflicting classifications (1 of 4 stars). 6 submissions from 6 submitters: Uncertain significance (3); Likely benign (2). 1 of the submissions does not count toward it. Last evaluated 2026-09-01.

Conditions:
Early-infantile DEE. Also called: Early infantile epileptic encephalopathy; Early infantile epileptic encephalopathy with suppression bursts; Ohtahara syndrome. Identifiers: Orphanet 1934, MedGen C0393706, MONDO:0800491.
Inborn genetic diseases. Identifiers: MedGen C0950123, MeSH D030342.
ST3GAL3-related disorder. Also called: ST3GAL3-related condition; ST3GAL3-Related Disorders.
Intellectual developmental disorder, autosomal recessive 12. Also called: Intellectual disability, autosomal recessive 12. Identifiers: Orphanet 88616, MedGen C1970200, MONDO:0012612, OMIM 611090.
Developmental and epileptic encephalopathy, 15 (DEE15). Also called: Early infantile epileptic encephalopathy 15. Identifiers: Orphanet 3451, MedGen C3554316, MONDO:0014003, OMIM 615006.

Allele frequency attached by ClinVar (database versions not stated): gnomAD 0.00044 and 0.00027; TOPMed 0.00064; gnomAD exomes 0.00073; ExAC 0.00088; 1000 Genomes Project 30x 0.00125; 1000 Genomes Project 0.00140.
gnomAD v4.1: 563 of 1,614,142 alleles (0.035%); highest among the groups gnomAD compares: South Asian, 0.48%; 3 homozygotes.

Submissions (6):

CeGaT Center for Human Genetics Tuebingen
Classification: Likely benign. Last evaluated: 2026-09-01. Review status: criteria provided, single submitter. Criteria: CeGaT Center For Human Genetics Tuebingen Variant Classification Criteria Version 2. Collection method: clinical testing. Allele origin: germline. Affected: yes. Observed: 3 variant alleles.
Comment: ST3GAL3: BP4

Labcorp Genetics (formerly Invitae), Labcorp
Classification: Likely benign for Early-infantile DEE. Last evaluated: 2026-01-05. Review status: criteria provided, single submitter. Criteria: Invitae Variant Classification Sherloc (09022015). Collection method: clinical testing. Allele origin: germline.

Ambry Genetics
Classification: Uncertain significance for Inborn genetic diseases. Last evaluated: 2017-07-10. Review status: criteria provided, single submitter. Criteria: Ambry Variant Classification Scheme 2023. Collection method: clinical testing. Allele origin: germline.
Comment: The p.R360Q variant (also known as c.1079G>A), located in coding exon 11 of the ST3GAL3 gene, results from a G to A substitution at nucleotide position 1079. The arginine at codon 360 is replaced by glutamine, an amino acid with highly similar properties. This amino acid position is well conserved in available vertebrate species. In addition, the in silico prediction for this alteration is inconclusive. Since supporting evidence is limited at this time, the clinical significance of this alteration remains unclear.

Genetic Services Laboratory, University of Chicago
Classification: Uncertain significance. Last evaluated: 2014-03-18. Review status: criteria provided, single submitter. Criteria: ACMG Guidelines, 2007. Collection method: clinical testing. Allele origin: germline. Inheritance: Autosomal recessive inheritance.

Center for Genomics, Ann and Robert H. Lurie Children's Hospital of Chicago
Classification: Uncertain significance for Developmental and epileptic encephalopathy, 15; Intellectual developmental disorder, autosomal recessive 12. Review status: criteria provided, single submitter. Criteria: ACMG Guidelines, 2015. Collection method: clinical testing. Allele origin: germline.
Comment: ST3GAL3 NM_174963.4 exon 13 p.Arg429Gln (c.1286G>A): This variant has not been reported in the literature but is present in 0.4% (135/30616) of South Asian alleles in the Genome Aggregation Database. This variant is present in ClinVar (Variation ID:130377). Evolutionary conservation and computational predictive tools for this variant are unclear. In summary, data on this variant is insufficient for disease classification. Therefore, the clinical significance of this variant is uncertain.

PreventionGenetics, part of Exact Sciences
Classification: Likely benign for ST3GAL3-related condition. Last evaluated: 2022-04-06. Review status: no assertion criteria provided. Collection method: clinical testing. Allele origin: germline. Not counted in ClinVar's aggregate classification.
Comment: This variant is classified as likely benign based on ACMG/AMP sequence variant interpretation guidelines (Richards et al. 2015 PMID: 25741868, with internal and published modifications).